The following is an entry in ClinVar:

NM_032608.7(MYO18B):c.3148G>T (p.Asp1050Tyr)

Gene: MYO18B (myosin XVIIIB; plus strand). Cytogenetic location: 22q12.1.
Variant type: single nucleotide variant.
Coding change: c.3148G>T on transcript NM_032608.7 (MANE Select); coding-DNA position 3148, G replaced by T.
Protein change: p.Asp1050Tyr; replaces aspartic acid 1050 with tyrosine.
Molecular consequence: missense variant.
Genome position (GRCh38, 1-based): chr22:25,835,383, G>T. VCF-style: chr22-25835383-G-T. GRCh37 (hg19) VCF-style: chr22-26231350-G-T.
Other names: c.3151G>T, p.Asp1051Tyr (NM_001318245.2); short protein forms D1050Y, D1051Y.
Identifiers: ClinVar variation 1495548 (VCV001495548.6), dbSNP rs767998200, ClinGen allele CA411002423.

ClinVar aggregate classification (germline): Uncertain significance (1 of 4 stars; one submission).

gnomAD v4.1: 2 of 1,614,014 alleles (0.00012%); highest among the groups gnomAD compares: Non-Finnish European, 0.00017%; no homozygotes.

Submission:

Labcorp Genetics (formerly Invitae), Labcorp
Classification: Uncertain significance. Last evaluated: 2022-06-20. Review status: criteria provided, single submitter. Criteria: Invitae Variant Classification Sherloc (09022015). Collection method: clinical testing. Allele origin: germline.
Comment: In summary, the available evidence is currently insufficient to determine the role of this variant in disease. Therefore, it has been classified as a Variant of Uncertain Significance. Algorithms developed to predict the effect of missense changes on protein structure and function are either unavailable or do not agree on the potential impact of this missense change (SIFT: "Not Available"; PolyPhen-2: "Probably Damaging"; Align-GVGD: "Not Available"). This variant has not been reported in the literature in individuals affected with MYO18B-related conditions. This variant is not present in population databases (gnomAD no frequency). This sequence change replaces aspartic acid with tyrosine at codon 1050 of the MYO18B protein (p.Asp1050Tyr). The aspartic acid residue is moderately conserved and there is a large physicochemical difference between aspartic acid and tyrosine.